The following is an entry in ClinVar:

ClinVar aggregate classification (germline): Likely benign. Review status: criteria provided, multiple submitters, no conflicts (2 of 4 stars). 3 submissions from 3 submitters: Likely benign (2). 1 of the submissions does not count toward it. Last evaluated 2024-11-21.

Conditions:
ATP11A-related disorder. Also called: ATP11A-related condition.

Allele frequency attached by ClinVar (database versions not stated): 1000 Genomes Project 0.00040; gnomAD exomes 0.00044; 1000 Genomes Project 30x 0.00047; ExAC 0.00058; ESP Exome Variant Server 0.00062; gnomAD 0.00090; TOPMed 0.00108.
gnomAD v4.1: 847 of 1,610,088 alleles (0.053%); highest among the groups gnomAD compares: Middle Eastern, 1.2%; 4 homozygotes.

Submissions (3):

Blueprint Genetics
Classification: Likely benign. Last evaluated: 2024-11-21. Review status: criteria provided, single submitter. Criteria: ACMG Guidelines, 2015. Collection method: clinical testing. Allele origin: germline.

CeGaT Center for Human Genetics Tuebingen
Classification: Likely benign. Last evaluated: 2024-07-01. Review status: criteria provided, single submitter. Criteria: CeGaT Center For Human Genetics Tuebingen Variant Classification Criteria Version 2. Collection method: clinical testing. Allele origin: germline. Affected: yes. Observed: 3 variant alleles.
Comment: ATP11A: BP4, BS1

PreventionGenetics, part of Exact Sciences
Classification: Likely benign for ATP11A-related condition. Last evaluated: 2023-06-16. Review status: no assertion criteria provided. Collection method: clinical testing. Allele origin: germline. Not counted in ClinVar's aggregate classification.
Comment: This variant is classified as likely benign based on ACMG/AMP sequence variant interpretation guidelines (Richards et al. 2015 PMID: 25741868, with internal and published modifications).

NM_015205.3(ATP11A):c.2418+3G>A

Gene: ATP11A (ATPase phospholipid transporting 11A; plus strand). Cytogenetic location: 13q34.
Variant type: single nucleotide variant.
Coding change: c.2418+3G>A on transcript NM_015205.3 (MANE Select); 3 bases into the intron after coding-DNA position 2418, G replaced by A.
Molecular consequence: intron variant.
Genome position (GRCh38, 1-based): chr13:112,856,088, G>A. VCF-style: chr13-112856088-G-A. GRCh37 (hg19) VCF-style: chr13-113510402-G-A.
Other names: c.2418+3G>A (NM_001405663.1, NM_001405661.1, NM_032189.4 and 2 more transcripts).
Identifiers: ClinVar variation 2643967 (VCV002643967.26), dbSNP rs200377899, ClinGen allele CA7057141.